The following is an entry in ClinVar:

NM_080680.3(COL11A2):c.3725C>T (p.Ser1242Leu)

Gene: COL11A2 (collagen type XI alpha 2 chain; minus strand). Cytogenetic location: 6p21.32.
Variant type: single nucleotide variant.
Coding change: c.3725C>T on transcript NM_080680.3 (MANE Select); coding-DNA position 3725, C replaced by T.
Protein change: p.Ser1242Leu; replaces serine 1242 with leucine.
Molecular consequence: missense variant.
Genome position (GRCh38, 1-based): chr6:33,169,456, G>A on the plus strand (C>T on the coding strand, the complement: COL11A2 is on the minus strand). VCF-style: chr6-33169456-G-A. GRCh37 (hg19) VCF-style: chr6-33137233-G-A.
Other names: c.3404C>T, p.Ser1135Leu (NM_080679.3); c.3467C>T, p.Ser1156Leu (NM_080681.3); short protein forms S1242L, S1135L, S1156L.
Identifiers: ClinVar variation 356389 (VCV000356389.24), dbSNP rs534570825, ClinGen allele CA3750387.

ClinVar aggregate classification (germline): Conflicting classifications of pathogenicity. Review status: criteria provided, conflicting classifications (1 of 4 stars). 7 submissions from 6 submitters: Uncertain significance (6); Likely benign (1). Last evaluated 2026-01-25.

Conditions:
Fibrochondrogenesis 2 (FBCG2). Identifiers: Orphanet 2021, MedGen C3281128, MONDO:0013795, OMIM 614524.
Inborn genetic diseases. Identifiers: MedGen C0950123, MeSH D030342.
Otospondylomegaepiphyseal dysplasia, autosomal recessive (OSMEDB). Also called: CHONDRODYSTROPHY WITH SENSORINEURAL DEAFNESS; Insley-Astley syndrome. Identifiers: Orphanet 1427, MedGen CN034493, MONDO:0044206, OMIM 215150.

Allele frequency attached by ClinVar (database versions not stated): gnomAD exomes 0.00009 and 0.00013; gnomAD 0.00014 and 0.00017; ExAC 0.00015; TOPMed 0.00015; 1000 Genomes Project 30x 0.00016; 1000 Genomes Project 0.00020.

Submissions (7):

Labcorp Genetics (formerly Invitae), Labcorp
Classification: Likely benign. Last evaluated: 2026-01-25. Review status: criteria provided, single submitter. Criteria: Invitae Variant Classification Sherloc (09022015). Collection method: clinical testing. Allele origin: germline.

GeneDx
Classification: Uncertain significance. Last evaluated: 2025-06-12. Review status: criteria provided, single submitter. Criteria: GeneDx Variant Classification Process June 2021. Collection method: clinical testing. Allele origin: germline. Affected: yes.
Comment: Reported in a patient with hearing loss in published literature (PMID: 36597107); In silico analysis supports that this missense variant has a deleterious effect on protein structure/function; This variant is associated with the following publications: (PMID: 36597107)

Women's Health and Genetics/Laboratory Corporation of America, LabCorp
Classification: Uncertain significance. Last evaluated: 2025-05-14. Review status: criteria provided, single submitter. Criteria: LabCorp Variant Classification Summary - May 2015. Collection method: clinical testing. Allele origin: germline.
Comment: Variant summary: COL11A2 c.3725C>T (p.Ser1242Leu) results in a non-conservative amino acid change in the encoded protein sequence. Algorithms developed to predict the effect of missense changes on protein structure and function all suggest that this variant is likely to be disruptive. The variant allele was found at a frequency of 0.00013 in 246426 control chromosomes. This frequency is not significantly higher than estimated for a pathogenic variant in COL11A2 causing COL11A2-Related Disorders, allowing no conclusion about variant significance. c.3725C>T has been observed in at least one individual affected with hearing loss (example: Ma_2023). This report does not provide unequivocal conclusions about association of the variant with COL11A2-Related Disorders. To our knowledge, no experimental evidence demonstrating an impact on protein function has been reported. The following publication has been ascertained in the context of this evaluation (PMID: 36597107). ClinVar contains an entry for this variant (Variation ID: 356389). Based on the evidence outlined above, the variant was classified as uncertain significance.

Ambry Genetics
Classification: Uncertain significance for Inborn genetic diseases. Last evaluated: 2021-06-22. Review status: criteria provided, single submitter. Criteria: Ambry Variant Classification Scheme 2023. Collection method: clinical testing. Allele origin: germline.

Illumina Laboratory Services, Illumina
Classification: Uncertain significance for Otospondylomegaepiphyseal dysplasia, autosomal recessive. Last evaluated: 2018-01-13. Review status: criteria provided, single submitter. Criteria: ICSL Variant Classification Criteria 13 December 2019. Collection method: clinical testing. Allele origin: germline.

Illumina Laboratory Services, Illumina
Classification: Uncertain significance for Fibrochondrogenesis 2. Last evaluated: 2018-01-13. Review status: criteria provided, single submitter. Criteria: ICSL Variant Classification Criteria 13 December 2019. Collection method: clinical testing. Allele origin: germline.

Laboratory for Molecular Medicine, Mass General Brigham Personalized Medicine
Classification: Uncertain significance. Last evaluated: 2017-10-26. Review status: criteria provided, single submitter. Criteria: LMM Criteria. Collection method: clinical testing. Allele origin: germline. Observed: 2 variant alleles.
Comment: It has also been reported in ClinVar (Variation ID#356389) as likely benign in individuals of unknown clinical status. This variant has been identified in 34/271854 total chromosomes across several populations by the Genome Aggregation Database (gnomA D; dbSNP rs534570825). Although this variant h as been seen in the general population, its frequency is not high enough to rule out a pathogenic role. Computational prediction tools and conservation analysis do not provide strong support for or against an impact to the protein. In summa ry, the clinical significance of the p.Ser1242Leu variant is uncertain. ACMG/AMP Criteria applied: BP5, PM2_P (Richards 2015).

Literature cited by the submitters: PubMed 36597107 (cited by Women's Health and Genetics/Laboratory Corporation of America, LabCorp).